The following is an entry in ClinVar:

ClinVar aggregate classification (germline): Likely benign. Review status: criteria provided, multiple submitters, no conflicts (2 of 4 stars). 3 submissions from 3 submitters: Likely benign (2). 1 of the submissions does not count toward it. Last evaluated 2025-09-03.

Conditions:
CARD14-related disorder. Also called: CARD14-related condition.
Pityriasis rubra pilaris (PRP). Also called: Pityriasis rubra pilaris--familial type. Identifiers: Orphanet 2897, MedGen C0032027, MONDO:0100017, OMIM 173200, MONDO:0008251.
Psoriasis 2. Identifiers: MedGen C1864497, MONDO:0011269, OMIM 602723.

gnomAD v4.1: 103 of 1,607,946 alleles (0.0064%); highest among the groups gnomAD compares: Admixed American, 0.032%; no homozygotes.

Submissions (3):

Labcorp Genetics (formerly Invitae), Labcorp
Classification: Likely benign for Pityriasis rubra pilaris; Psoriasis 2. Last evaluated: 2025-09-03. Review status: criteria provided, single submitter. Criteria: Invitae Variant Classification Sherloc (09022015). Collection method: clinical testing. Allele origin: germline.

Blueprint Genetics
Classification: Likely benign. Last evaluated: 2024-06-13. Review status: criteria provided, single submitter. Criteria: ACMG Guidelines, 2015. Collection method: clinical testing. Allele origin: germline.

PreventionGenetics, part of Exact Sciences
Classification: Likely benign for CARD14-related condition. Last evaluated: 2019-09-06. Review status: no assertion criteria provided. Collection method: clinical testing. Allele origin: germline. Not counted in ClinVar's aggregate classification.
Comment: This variant is classified as likely benign based on ACMG/AMP sequence variant interpretation guidelines (Richards et al. 2015 PMID: 25741868, with internal and published modifications).

NM_001366385.1(CARD14):c.1371G>C (p.Ser457=)

Gene: CARD14 (caspase recruitment domain family member 14; plus strand). Cytogenetic location: 17q25.3.
Variant type: single nucleotide variant.
Coding change: c.1371G>C on transcript NM_001366385.1 (MANE Select); coding-DNA position 1371, G replaced by C.
Protein change: p.Ser457=; no amino-acid change (serine 457 retained).
Molecular consequence: synonymous variant. On other transcripts: non-coding transcript variant (1).
Genome position (GRCh38, 1-based): chr17:80,195,205, G>C. VCF-style: chr17-80195205-G-C. GRCh37 (hg19) VCF-style: chr17-78169004-G-C.
Other names: c.1371G>C, p.Ser457= (NM_001257970.1, NM_024110.4); c.660G>C, p.Ser220= (NM_052819.3).
Identifiers: ClinVar variation 1085092 (VCV001085092.12), dbSNP rs62074378, ClinGen allele CA8816805.